The following is an entry in ClinVar:

NM_213599.3(ANO5):c.1117A>C (p.Lys373Gln)

Gene: ANO5 (anoctamin 5; plus strand). Cytogenetic location: 11p14.3.
Variant type: single nucleotide variant.
Coding change: c.1117A>C on transcript NM_213599.3 (MANE Select); coding-DNA position 1117, A replaced by C.
Protein change: p.Lys373Gln; replaces lysine 373 with glutamine.
Molecular consequence: missense variant.
Genome position (GRCh38, 1-based): chr11:22,250,844, A>C. VCF-style: chr11-22250844-A-C. GRCh37 (hg19) VCF-style: chr11-22272390-A-C.
Other names: c.1114A>C, p.Lys372Gln (NM_001142649.2); short protein forms K372Q, K373Q.
Identifiers: ClinVar variation 1359819 (VCV001359819.8), dbSNP rs2133704406, ClinGen allele CA379921173.

ClinVar aggregate classification (germline): Uncertain significance (1 of 4 stars; one submission).

Conditions:
Autosomal recessive limb-girdle muscular dystrophy type 2L (LGMDR12). Also called: Limb-girdle muscular dystrophy, type 2L; MUSCULAR DYSTROPHY, LIMB-GIRDLE, AUTOSOMAL RECESSIVE 12; Limb-Girdle Muscular Dystrophy R12 Anoctamin-5-Related (LGMD-R12). Identifiers: Orphanet 206549, MedGen C1969785, MONDO:0012652, OMIM 611307.
Gnathodiaphyseal dysplasia (GDD). Also called: GNATHODIAPHYSEAL SCLEROSIS; OSTEOGENESIS IMPERFECTA WITH UNUSUAL SKELETAL LESIONS. Identifiers: Orphanet 53697, MedGen C1833736, MONDO:0008151, OMIM 166260.

Submission:

Labcorp Genetics (formerly Invitae), Labcorp
Classification: Uncertain significance for Autosomal recessive limb-girdle muscular dystrophy type 2L; Gnathodiaphyseal dysplasia. Last evaluated: 2021-06-07. Review status: criteria provided, single submitter. Criteria: Invitae Variant Classification Sherloc (09022015). Collection method: clinical testing. Allele origin: germline.
Comment: This variant has not been reported in the literature in individuals with ANO5-related conditions. This variant is not present in population databases (ExAC no frequency). Algorithms developed to predict the effect of missense changes on protein structure and function output the following: SIFT: "Tolerated"; PolyPhen-2: "Benign"; Align-GVGD: "Class C0". The glutamine amino acid residue is found in multiple mammalian species, suggesting that this missense change does not adversely affect protein function. These predictions have not been confirmed by published functional studies and their clinical significance is uncertain. This sequence change replaces lysine with glutamine at codon 373 of the ANO5 protein (p.Lys373Gln). The lysine residue is weakly conserved and there is a small physicochemical difference between lysine and glutamine. In summary, the available evidence is currently insufficient to determine the role of this variant in disease. Therefore, it has been classified as a Variant of Uncertain Significance. Algorithms developed to predict the effect of sequence changes on RNA splicing suggest that this variant may create or strengthen a splice site, but this prediction has not been confirmed by published transcriptional studies.